The following is an entry in ClinVar:

NM_018117.12(WDR11):c.2311A>G (p.Asn771Asp)

Gene: WDR11 (WD repeat domain 11; plus strand). Cytogenetic location: 10q26.12.
Variant type: single nucleotide variant.
Coding change: c.2311A>G on transcript NM_018117.12 (MANE Select); coding-DNA position 2311, A replaced by G.
Protein change: p.Asn771Asp; replaces asparagine 771 with aspartic acid.
Molecular consequence: missense variant.
Genome position (GRCh38, 1-based): chr10:120,889,977, A>G. VCF-style: chr10-120889977-A-G. GRCh37 (hg19) VCF-style: chr10-122649489-A-G.
Other names: short protein forms N771D.
Identifiers: ClinVar variation 3685796 (VCV003685796.2).

ClinVar aggregate classification (germline): Uncertain significance (1 of 4 stars; one submission).

gnomAD v4.1: 7 of 1,613,884 alleles (0.00043%); highest among the groups gnomAD compares: Non-Finnish European, 0.00059%; no homozygotes.

Submission:

Labcorp Genetics (formerly Invitae), Labcorp
Classification: Uncertain significance. Last evaluated: 2025-03-03. Review status: criteria provided, single submitter. Criteria: Invitae Variant Classification Sherloc (09022015). Collection method: clinical testing. Allele origin: germline.
Comment: This sequence change replaces asparagine, which is neutral and polar, with aspartic acid, which is acidic and polar, at codon 771 of the WDR11 protein (p.Asn771Asp). This variant is not present in population databases (gnomAD no frequency). This variant has not been reported in the literature in individuals affected with WDR11-related conditions. An algorithm developed to predict the effect of missense changes on protein structure and function (PolyPhen-2) suggests that this variant is likely to be tolerated. In summary, the available evidence is currently insufficient to determine the role of this variant in disease. Therefore, it has been classified as a Variant of Uncertain Significance.